The following is an entry in ClinVar:

NM_004318.4(ASPH):c.1726_1729dup (p.Thr577fs)

Gene: ASPH (aspartate beta-hydroxylase; minus strand). Cytogenetic location: 8q12.3.
Variant type: Duplication.
Coding change: c.1726_1729dup on transcript NM_004318.4 (MANE Select); coding-DNA positions 1726 to 1729, 4 bases duplicated (TGGA; older notation c.1726_1729dupTGGA).
Protein change: p.Thr577fs; shifts the reading frame from threonine 577.
Molecular consequence: frameshift variant.
Genome position (GRCh38, 1-based): chr8:61,548,106-61,548,109, TCCA duplicated on the plus strand (TGGA on the coding strand, the reverse complement: ASPH is on the minus strand). VCF-style (leftmost placement, unchanged base first): chr8-61548105-G-GTCCA. GRCh37 (hg19) VCF-style: chr8-62460664-G-GTCCA.
Other names: c.1594_1597dup, p.Thr533fs (NM_001413873.1); c.1585_1588dup, p.Thr530fs (NM_001413874.1); c.1582_1585dup, p.Thr529fs (NM_001413875.1); c.1555_1558dup, p.Thr520fs (NM_001413876.1, NM_001413877.1); c.1552_1555dup, p.Thr519fs (NM_001413878.1); c.1549_1552dup, p.Thr518fs (NM_001413879.1); c.1540_1543dup, p.Thr515fs (NM_001413880.1, NM_001413881.1); c.1537_1540dup, p.Thr514fs (NM_001413882.1); and 34 more; short protein forms T359fs, T373fs, T415fs, T418fs, T444fs, T475fs, T490fs, T494fs.
Identifiers: ClinVar variation 4884768 (VCV004884768.1).

ClinVar aggregate classification (germline): Likely pathogenic (1 of 4 stars; one submission).

Conditions:
Facial dysmorphism-lens dislocation-anterior segment abnormalities-spontaneous filtering blebs syndrome. Also called: Facial dysmorphism, lens dislocation, anterior segment abnormalities, and spontaneous filtering blebs; TRABOULSI SYNDROME. Identifiers: Orphanet 412022, MedGen C1832167, MONDO:0011106, OMIM 601552.

Submission:

Genetics Laboratory, Department of Biology, Semnan University
Classification: Likely pathogenic for Facial dysmorphism-lens dislocation-anterior segment abnormalities-spontaneous filtering blebs syndrome. Last evaluated: 2022-01-18. Review status: criteria provided, single submitter. Criteria: ACMG Guidelines, 2015. Collection method: research. Allele origin: germline. Inheritance: Autosomal recessive inheritance. Affected: yes. Observed: 1 variant allele, 1 homozygote.
Comment: The identified variant leads to the duplication of TGGA Nucleotides at positions 1726 to 1729 of ASPH gene leading to frameshift of coding sequence. Hence, this duplication could alter the amino acid sequence and could leads to a decreased or loss of function of mutated protein.

Literature cited by the submitters: DOI 10.1097/MCD.0000000000000287.